The following is an entry in ClinVar:

NM_003491.4(NAA10):c.226-8C>T

Gene: NAA10 (N-alpha-acetyltransferase 10, NatA catalytic subunit; minus strand). Cytogenetic location: Xq28.
Variant type: single nucleotide variant.
Coding change: c.226-8C>T on transcript NM_003491.4 (MANE Select); 8 bases into the intron before coding-DNA position 226, C replaced by T.
Molecular consequence: intron variant.
Genome position (GRCh38, 1-based): chrX:153,932,439, G>A on the plus strand (C>T on the coding strand, the complement: NAA10 is on the minus strand). VCF-style: chrX-153932439-G-A. GRCh37 (hg19) VCF-style: chrX-153197892-G-A.
Other names: c.208-8C>T (NM_001256120.2); c.226-8C>T (NM_001256119.2).
Identifiers: ClinVar variation 3641293 (VCV003641293.3).
Genomic context (GRCh38, chrX:153,932,439, plus strand): 5'-TGGTCCATCAGTTTCTGAGCCAGACCGAGGCGCCGGTGGGAACGCTTCACAGCCTGGTGG[G>A]AGAAGAGCAGAGATGGGGTGAGGGACTGGGACCTTGAGGGCTGCCCCAACTAACCCCCAC-3'

ClinVar aggregate classification (germline): Conflicting classifications of pathogenicity. Review status: criteria provided, conflicting classifications (1 of 4 stars). 2 submissions from 2 submitters: Uncertain significance (1); Likely benign (1). Last evaluated 2026-08-06.

Conditions:
Microphthalmia, syndromic 1 (MCOPS1). Also called: ANOP1. Identifiers: Orphanet 568, Orphanet 85275, MedGen C0796016, MONDO:0010671, OMIM 309800.

gnomAD v4.1: 3 of 1,206,277 alleles (0.00025%); highest among the groups gnomAD compares: Admixed American, 0.0022%; no homozygotes.

Submissions (2):

OLLIN Analises Genomicas, OLLIN
Classification: Uncertain significance for Microphthalmia, syndromic 1. Last evaluated: 2026-08-06. Review status: criteria provided, single submitter. Criteria: ACMG Guidelines 2015 PMID 25741868. Collection method: clinical testing. Allele origin: germline.
Comment: This variant, has been reported in ClinVar (accession VCV003641293.2) and in gnomAD with an allele frequency of 0.00025%. However, to our knowledge, it has not been reported in the scientific literature. According to the currently available evidence, this variant has been classified as uncertain significance (BP4).

Labcorp Genetics (formerly Invitae), Labcorp
Classification: Likely benign. Last evaluated: 2024-05-21. Review status: criteria provided, single submitter. Criteria: Invitae Variant Classification Sherloc (09022015). Collection method: clinical testing. Allele origin: germline.